The following is an entry in ClinVar:

ClinVar aggregate classification (germline): Pathogenic/Likely pathogenic. Review status: criteria provided, multiple submitters, no conflicts (2 of 4 stars). 3 submissions from 3 submitters: Pathogenic (1); Likely pathogenic (1). 1 of the submissions does not count toward it. Last evaluated 2022-07-31.

Conditions:
Aniridia 1 (AN1). Identifiers: Orphanet 250923, MedGen C0344542, MONDO:0024507, OMIM 106210.
Irido-corneo-trabecular dysgenesis (ASGD5). Also called: ANTERIOR SEGMENT DYSGENESIS 5. Identifiers: Orphanet 708, MedGen C0344559, MONDO:0011414, OMIM 604229, HP:0000659.

Allele frequency attached by ClinVar (database versions not stated): gnomAD 0.00001.
gnomAD v4.1: 1 of 1,614,056 alleles (0.000062%); highest among the groups gnomAD compares: Non-Finnish European, 0.000085%; no homozygotes.

Submissions (3):

GeneDx
Classification: Likely pathogenic. Last evaluated: 2022-07-31. Review status: criteria provided, single submitter. Criteria: GeneDx Variant Classification Process June 2021. Collection method: clinical testing. Allele origin: germline. Affected: yes.
Comment: Not observed at significant frequency in large population cohorts (gnomAD); In silico analysis supports that this missense variant has a deleterious effect on protein structure/function; This variant is associated with the following publications: (PMID: 32080308, 32360764, 34101622, 34415986)

Labcorp Genetics (formerly Invitae), Labcorp
Classification: Pathogenic for Aniridia 1; Irido-corneo-trabecular dysgenesis. Last evaluated: 2022-06-13. Review status: criteria provided, single submitter. Criteria: Invitae Variant Classification Sherloc (09022015). Collection method: clinical testing. Allele origin: germline.
Comment: This sequence change replaces glycine, which is neutral and non-polar, with cysteine, which is neutral and slightly polar, at codon 72 of the PAX6 protein (p.Gly72Cys). This variant is present in population databases (no rsID available, gnomAD 0.007%). This missense change has been observed in individual(s) with clinical features of PAX6-related conditions (PMID: 2080308, 34101622). It has also been observed to segregate with disease in related individuals. ClinVar contains an entry for this variant (Variation ID: 800414). Advanced modeling of protein sequence and biophysical properties (such as structural, functional, and spatial information, amino acid conservation, physicochemical variation, residue mobility, and thermodynamic stability) performed at Invitae indicates that this missense variant is expected to disrupt PAX6 protein function. Experimental studies have shown that this missense change affects PAX6 function (PMID: 32080308). For these reasons, this variant has been classified as Pathogenic.

Wessex Regional Genetics Laboratory, Salisbury District Hospital
Classification: Likely pathogenic for Aniridia 1. Last evaluated: 2019-08-15. Review status: no assertion criteria provided. Criteria: ACMG Guidelines, 2015. Collection method: clinical testing. Allele origin: inherited. Inheritance: Autosomal dominant inheritance. Affected: yes. Not counted in ClinVar's aggregate classification.

Literature cited by the submitters: PubMed 2080308 (cited by Labcorp Genetics (formerly Invitae), Labcorp); PubMed 34101622 (cited by Labcorp Genetics (formerly Invitae), Labcorp); PubMed 32080308 (cited by Labcorp Genetics (formerly Invitae), Labcorp).

NM_001368894.2(PAX6):c.256G>T (p.Gly86Cys)

Gene: PAX6 (paired box 6; minus strand). Cytogenetic location: 11p13.
Variant type: single nucleotide variant.
Coding change: c.256G>T on transcript NM_001368894.2 (MANE Select); coding-DNA position 256, G replaced by T.
Protein change: p.Gly86Cys; replaces glycine 86 with cysteine.
Molecular consequence: missense variant. On other transcripts: 5 prime UTR variant (14), non-coding transcript variant (2), intron variant (8).
Genome position (GRCh38, 1-based): chr11:31,801,704, C>A on the plus strand (G>T on the coding strand, the complement: PAX6 is on the minus strand). VCF-style: chr11-31801704-C-A. GRCh37 (hg19) VCF-style: chr11-31823252-C-A.
Other names: c.214G>T, p.Gly72Cys (NM_000280.6, NM_001127612.3, NM_001258464.2 and 10 more transcripts); c.256G>T, p.Gly86Cys (NM_001258462.3, NM_001258463.2, NM_001310158.2 and 6 more transcripts); c.-526G>T (NM_001310160.2, NM_001368902.2, NM_001368905.2); c.-195G>T (NM_001310161.3, NM_001368899.2, NM_001368900.2 and 8 more transcripts); c.457G>T, p.Gly153Cys (NM_001368910.2); c.259G>T, p.Gly87Cys (NM_001368911.2); c.331G>T, p.Gly111Cys (NM_001368918.2, NM_001368919.2); c.289G>T, p.Gly97Cys (NM_001368920.2); and 2 more; short protein forms G111C, G153C, G87C, G72C, G97C, G86C.
Identifiers: ClinVar variation 800414 (VCV000800414.9), dbSNP rs759557055, ClinGen allele CA379958869.